The following is an entry in ClinVar:

ClinVar aggregate classification (germline): Uncertain significance (1 of 4 stars; one submission).

Submission:

Labcorp Genetics (formerly Invitae), Labcorp
Classification: Uncertain significance. Last evaluated: 2024-06-26. Review status: criteria provided, single submitter. Criteria: Invitae Variant Classification Sherloc (09022015). Collection method: clinical testing. Allele origin: germline.
Comment: This variant, c.572_577del, results in the deletion of 2 amino acid(s) of the MICAL1 protein (p.Gly191_Val192del), but otherwise preserves the integrity of the reading frame. This variant is present in population databases (no rsID available, gnomAD 0.007%). This variant has not been reported in the literature in individuals affected with MICAL1-related conditions. ClinVar contains an entry for this variant (Variation ID: 2153451). Experimental studies and prediction algorithms are not available or were not evaluated, and the functional significance of this variant is currently unknown. In summary, the available evidence is currently insufficient to determine the role of this variant in disease. Therefore, it has been classified as a Variant of Uncertain Significance.

NM_022765.4(MICAL1):c.515_520del (p.Gly172_Val173del)

Gene: MICAL1 (microtubule associated monooxygenase, calponin and LIM domain containing 1; minus strand). Cytogenetic location: 6q21.
Variant type: Deletion.
Coding change: c.515_520del on transcript NM_022765.4 (MANE Select); coding-DNA positions 515 to 520, 6 bases deleted (GGGTGG; older notation c.515_520delGGGTGG).
Protein change: p.Gly172_Val173del.
Molecular consequence: inframe deletion.
Genome position (GRCh38, 1-based): chr6:109,453,314-109,453,319, CCACCC deleted on the plus strand (GGGTGG on the coding strand, the reverse complement: MICAL1 is on the minus strand); deleting any 6 consecutive bases within chr6:109,453,314-109,453,322 gives the same sequence; the c. name uses the placement nearest the transcript's 3' end. VCF-style (leftmost placement, unchanged base first): chr6-109453313-TCCACCC-T. GRCh37 (hg19) VCF-style: chr6-109774516-TCCACCC-T.
Other names: c.515_520del, p.Gly172_Val173del (NM_001159291.2); c.572_577del, p.Gly191_Val192del (NM_001286613.2).
Identifiers: ClinVar variation 2153451 (VCV002153451.4), dbSNP rs1371954754, ClinGen allele CA569582367.